The following is an entry in ClinVar:

NM_006118.4(HAX1):c.115G>C (p.Glu39Gln)

Gene: HAX1 (HCLS1 associated protein X-1; plus strand). Cytogenetic location: 1q21.3.
Variant type: single nucleotide variant.
Coding change: c.115G>C on transcript NM_006118.4 (MANE Select); coding-DNA position 115, G replaced by C.
Protein change: p.Glu39Gln; replaces glutamic acid 39 with glutamine.
Molecular consequence: missense variant. On other transcripts: intron variant (1).
Genome position (GRCh38, 1-based): chr1:154,273,397, G>C. VCF-style: chr1-154273397-G-C. GRCh37 (hg19) VCF-style: chr1-154245873-G-C.
Other names: c.54-83G>C (NM_001018837.2); short protein forms E39Q.
Identifiers: ClinVar variation 4826681 (VCV004826681.1).

ClinVar aggregate classification (germline): Uncertain significance (1 of 4 stars; one submission).

Conditions:
Inborn genetic diseases. Identifiers: MedGen C0950123, MeSH D030342.

Submission:

Ambry Genetics
Classification: Uncertain significance for Inborn genetic diseases. Last evaluated: 2026-03-02. Review status: criteria provided, single submitter. Criteria: Ambry Variant Classification Scheme 2023. Collection method: clinical testing. Allele origin: germline.
Comment: The p.E39Q variant (also known as c.115G>C), located in coding exon 2 of the HAX1 gene, results from a G to C substitution at nucleotide position 115. The glutamic acid at codon 39 is replaced by glutamine, an amino acid with highly similar properties. This amino acid position is conserved. In addition, this alteration is predicted to be tolerated by in silico analysis. Based on the available evidence, the clinical significance of this variant remains unclear.